The following is an entry in ClinVar:

ClinVar aggregate classification (germline): Uncertain significance (1 of 4 stars; one submission).

Submission:

Labcorp Genetics (formerly Invitae), Labcorp
Classification: Uncertain significance. Last evaluated: 2019-11-25. Review status: criteria provided, single submitter. Criteria: Invitae Variant Classification Sherloc (09022015). Collection method: clinical testing. Allele origin: germline.
Comment: This variant is not present in population databases (ExAC no frequency). This variant has not been reported in the literature in individuals with PITPNM3-related conditions. Algorithms developed to predict the effect of missense changes on protein structure and function are either unavailable or do not agree on the potential impact of this missense change (SIFT: "Deleterious"; PolyPhen-2: "Possibly Damaging"; Align-GVGD: "Class C0"). In summary, the available evidence is currently insufficient to determine the role of this variant in disease. Therefore, it has been classified as a Variant of Uncertain Significance. This sequence change replaces serine with asparagine at codon 54 of the PITPNM3 protein (p.Ser54Asn). The serine residue is highly conserved and there is a small physicochemical difference between serine and asparagine.

NM_031220.4(PITPNM3):c.161G>A (p.Ser54Asn)

Gene: PITPNM3 (PITPNM family member 3; minus strand). Cytogenetic location: 17p13.1.
Variant type: single nucleotide variant.
Coding change: c.161G>A on transcript NM_031220.4 (MANE Select); coding-DNA position 161, G replaced by A.
Protein change: p.Ser54Asn; replaces serine 54 with asparagine.
Molecular consequence: missense variant. On other transcripts: intron variant (1).
Genome position (GRCh38, 1-based): chr17:6,525,421, C>T on the plus strand (G>A on the coding strand, the complement: PITPNM3 is on the minus strand). VCF-style: chr17-6525421-C-T. GRCh37 (hg19) VCF-style: chr17-6428741-C-T.
Other names: c.118+12566G>A (NM_001165966.2); short protein forms S54N.
Identifiers: ClinVar variation 838003 (VCV000838003.9), dbSNP rs1908774055, ClinGen allele CA397401921.